The following is an entry in ClinVar:

ClinVar aggregate classification (germline): Uncertain significance. Review status: criteria provided, multiple submitters, no conflicts (2 of 4 stars). 2 submissions from 2 submitters: Uncertain significance (2). Last evaluated 2024-10-16.

Conditions:
Fanconi anemia (FA). Also called: Fanconi's anemia. Identifiers: Orphanet 84, MedGen C0015625, MeSH D005199, MONDO:0019391.

Submissions (2):

Labcorp Genetics (formerly Invitae), Labcorp
Classification: Uncertain significance for Fanconi anemia. Last evaluated: 2024-10-16. Review status: criteria provided, single submitter. Criteria: Invitae Variant Classification Sherloc (09022015). Collection method: clinical testing. Allele origin: germline.
Comment: This sequence change replaces asparagine, which is neutral and polar, with aspartic acid, which is acidic and polar, at codon 1687 of the FANCM protein (p.Asn1687Asp). This variant is not present in population databases (gnomAD no frequency). This variant has not been reported in the literature in individuals affected with FANCM-related conditions. ClinVar contains an entry for this variant (Variation ID: 2663229). An algorithm developed to predict the effect of missense changes on protein structure and function outputs the following: PolyPhen-2: "Benign". The aspartic acid amino acid residue is found in multiple mammalian species, which suggests that this missense change does not adversely affect protein function. In summary, the available evidence is currently insufficient to determine the role of this variant in disease. Therefore, it has been classified as a Variant of Uncertain Significance.

GeneDx
Classification: Uncertain significance. Last evaluated: 2023-05-10. Review status: criteria provided, single submitter. Criteria: GeneDx Variant Classification Process June 2021. Collection method: clinical testing. Allele origin: germline. Affected: yes.
Comment: Not observed at significant frequency in large population cohorts (gnomAD); In silico analysis supports that this missense variant does not alter protein structure/function; Has not been previously published as pathogenic or benign to our knowledge

NM_020937.4(FANCM):c.5059A>G (p.Asn1687Asp)

Gene: FANCM (FA complementation group M; plus strand). Cytogenetic location: 14q21.2.
Variant type: single nucleotide variant.
Coding change: c.5059A>G on transcript NM_020937.4 (MANE Select); coding-DNA position 5059, A replaced by G.
Protein change: p.Asn1687Asp; replaces asparagine 1687 with aspartic acid.
Molecular consequence: missense variant.
Genome position (GRCh38, 1-based): chr14:45,189,081, A>G. VCF-style: chr14-45189081-A-G. GRCh37 (hg19) VCF-style: chr14-45658284-A-G.
Other names: c.4981A>G, p.Asn1661Asp (NM_001308133.2); short protein forms N1661D, N1687D.
Identifiers: ClinVar variation 2663229 (VCV002663229.3), dbSNP rs2503244579, ClinGen allele CA389612205.
Genomic context (GRCh38, chr14:45,189,081, plus strand): 5'-ATTATTTTACCAGATGATTCAAGTGAGGAGGAGAACAATGTAAATGATAAAAGAGAATCT[A>G]ATATTGCGGTTAACCCAAGCACTGTTAAGAAGAACAAACAACAGGACCATTGTTTAAATT-3'
Protein context (NP_065988.1, residues 1677-1697): ENNVNDKRES[Asn1687Asp]IAVNPSTVKK